The following is an entry in ClinVar:

ClinVar aggregate classification (germline): Uncertain significance (1 of 4 stars; one submission).

Submission:

Labcorp Genetics (formerly Invitae), Labcorp
Classification: Uncertain significance. Last evaluated: 2024-02-02. Review status: criteria provided, single submitter. Criteria: Invitae Variant Classification Sherloc (09022015). Collection method: clinical testing. Allele origin: germline.
Comment: This sequence change replaces glutamic acid, which is acidic and polar, with lysine, which is basic and polar, at codon 2148 of the CACNA1E protein (p.Glu2148Lys). This variant is not present in population databases (gnomAD no frequency). This variant has not been reported in the literature in individuals affected with CACNA1E-related conditions. Advanced modeling of protein sequence and biophysical properties (such as structural, functional, and spatial information, amino acid conservation, physicochemical variation, residue mobility, and thermodynamic stability) performed at Invitae indicates that this missense variant is not expected to disrupt CACNA1E protein function with a negative predictive value of 95%. In summary, the available evidence is currently insufficient to determine the role of this variant in disease. Therefore, it has been classified as a Variant of Uncertain Significance.

NM_001205293.3(CACNA1E):c.6571G>A (p.Glu2191Lys)

Gene: CACNA1E (calcium voltage-gated channel subunit alpha1 E; plus strand). Cytogenetic location: 1q25.3.
Variant type: single nucleotide variant.
Coding change: c.6571G>A on transcript NM_001205293.3 (MANE Select); coding-DNA position 6571, G replaced by A.
Protein change: p.Glu2191Lys; replaces glutamic acid 2191 with lysine.
Molecular consequence: missense variant.
Genome position (GRCh38, 1-based): chr1:181,798,463, G>A. VCF-style: chr1-181798463-G-A. GRCh37 (hg19) VCF-style: chr1-181767599-G-A.
Other names: c.6442G>A, p.Glu2148Lys (NM_000721.4); c.6385G>A, p.Glu2129Lys (NM_001205294.2); short protein forms E2129K, E2191K, E2148K.
Identifiers: ClinVar variation 3683150 (VCV003683150.2).